The following is an entry in ClinVar:

NM_001329943.3(KIAA0586):c.3797G>C (p.Gly1266Ala)

Gene: KIAA0586 (KIAA0586; plus strand). Cytogenetic location: 14q23.1.
Variant type: single nucleotide variant.
Coding change: c.3797G>C on transcript NM_001329943.3 (MANE Select); coding-DNA position 3797, G replaced by C.
Protein change: p.Gly1266Ala; replaces glycine 1266 with alanine.
Molecular consequence: missense variant.
Genome position (GRCh38, 1-based): chr14:58,490,179, G>C. VCF-style: chr14-58490179-G-C. GRCh37 (hg19) VCF-style: chr14-58956897-G-C.
Other names: c.3956G>C, p.Gly1319Ala (NM_001244189.2); c.3752G>C, p.Gly1251Ala (NM_001244190.2); c.3542G>C, p.Gly1181Ala (NM_001244191.2, NM_001329945.2, NM_001364700.1 and 1 more transcripts); c.3665G>C, p.Gly1222Ala (NM_001244192.2); c.3377G>C, p.Gly1126Ala (NM_001244193.2); c.3797G>C, p.Gly1266Ala (NM_001329944.2, NM_001329946.2, NM_001329947.2); c.3569G>C, p.Gly1190Ala (NM_014749.5); short protein forms G1126A, G1181A, G1190A, G1251A, G1266A, G1222A, G1319A.
Identifiers: ClinVar variation 1384621 (VCV001384621.6), dbSNP rs1256817386, ClinGen allele CA389883358.

ClinVar aggregate classification (germline): Uncertain significance (1 of 4 stars; one submission).

Conditions:
Joubert syndrome 23 (JBTS23). Identifiers: Orphanet 475, MedGen C4084822, MONDO:0014664, OMIM 616490.
Short-rib thoracic dysplasia 14 with polydactyly (SRTD14). Identifiers: Orphanet 397715, MedGen C4225286, MONDO:0014688, OMIM 616546.

Allele frequency attached by ClinVar (database versions not stated): gnomAD 0.00001; gnomAD exomes 0.00001.
gnomAD v4.1: 16 of 1,479,862 alleles (0.0011%); highest among the groups gnomAD compares: African/African-American, 0.0014%; no homozygotes.

Submission:

Labcorp Genetics (formerly Invitae), Labcorp
Classification: Uncertain significance for Joubert syndrome 23; Short-rib thoracic dysplasia 14 with polydactyly. Last evaluated: 2022-09-13. Review status: criteria provided, single submitter. Criteria: Invitae Variant Classification Sherloc (09022015). Collection method: clinical testing. Allele origin: germline.
Comment: This variant has not been reported in the literature in individuals affected with KIAA0586-related conditions. ClinVar contains an entry for this variant (Variation ID: 1384621). Advanced modeling of protein sequence and biophysical properties (such as structural, functional, and spatial information, amino acid conservation, physicochemical variation, residue mobility, and thermodynamic stability) has been performed at Invitae for this missense variant, however the output from this modeling did not meet the statistical confidence thresholds required to predict the impact of this variant on KIAA0586 protein function. In summary, the available evidence is currently insufficient to determine the role of this variant in disease. Therefore, it has been classified as a Variant of Uncertain Significance. The frequency data for this variant in the population databases is considered unreliable, as metrics indicate poor data quality at this position in the gnomAD database. This sequence change replaces glycine, which is neutral and non-polar, with alanine, which is neutral and non-polar, at codon 1319 of the KIAA0586 protein (p.Gly1319Ala).